The following is an entry in ClinVar:

NM_001369.3(DNAH5):c.2578-1G>A

Genes: DNAH5-AS1 (DNAH5 antisense RNA 1; plus strand), DNAH5 (dynein axonemal heavy chain 5; minus strand). Cytogenetic location: 5p15.2.
Variant type: single nucleotide variant.
Coding change: c.2578-1G>A on transcript NM_001369.3 (MANE Select); the canonical splice acceptor site of the intron before coding-DNA position 2578, G replaced by A.
Molecular consequence: splice acceptor variant.
Genome position (GRCh38, 1-based): chr5:13,886,130, C>T on the plus strand (G>A on the coding strand, the complement: DNAH5 is on the minus strand). VCF-style: chr5-13886130-C-T. GRCh37 (hg19) VCF-style: chr5-13886239-C-T.
Identifiers: ClinVar variation 939043 (VCV000939043.10), dbSNP rs1166599454, ClinGen allele CA359196963.

ClinVar aggregate classification (germline): Likely pathogenic (1 of 4 stars; one submission).

Conditions:
Primary ciliary dyskinesia. Also called: Ciliary dyskinesia. Identifiers: Orphanet 244, MedGen C0008780, MONDO:0016575, HP:0012265.

Submission:

Labcorp Genetics (formerly Invitae), Labcorp
Classification: Likely pathogenic for Primary ciliary dyskinesia. Last evaluated: 2023-03-04. Review status: criteria provided, single submitter. Criteria: Invitae Variant Classification Sherloc (09022015). Collection method: clinical testing. Allele origin: germline.
Comment: In summary, the currently available evidence indicates that the variant is pathogenic, but additional data are needed to prove that conclusively. Therefore, this variant has been classified as Likely Pathogenic. Algorithms developed to predict the effect of sequence changes on RNA splicing suggest that this variant may disrupt the consensus splice site. ClinVar contains an entry for this variant (Variation ID: 939043). Disruption of this splice site has been observed in individual(s) with primary ciliary dyskinesia (PMID: 29363216). This variant is not present in population databases (gnomAD no frequency). This sequence change affects an acceptor splice site in intron 17 of the DNAH5 gene. It is expected to disrupt RNA splicing. Variants that disrupt the donor or acceptor splice site typically lead to a loss of protein function (PMID: 16199547), and loss-of-function variants in DNAH5 are known to be pathogenic (PMID: 11788826, 16627867).

Literature cited by the submitters: PubMed 29363216; PubMed 16199547; PubMed 11788826; PubMed 16627867.